The following is an entry in ClinVar:

ClinVar aggregate classification (germline): Uncertain significance (1 of 4 stars; one submission).

Conditions:
Bardet-Biedl syndrome 1 (BBS1). Identifiers: MedGen C2936862, MONDO:0008854, OMIM 209900. Disease mechanism: loss of function.

gnomAD v4.1: 13 of 1,607,936 alleles (0.00081%); highest among the groups gnomAD compares: African/African-American, 0.016%; no homozygotes.

Submission:

Laboratorio de Genetica e Diagnostico Molecular, Hospital Israelita Albert Einstein
Classification: Uncertain significance for Bardet-Biedl syndrome 1. Last evaluated: 2024-10-29. Review status: criteria provided, single submitter. Criteria: ACMG Guidelines, 2015. Collection method: clinical testing. Allele origin: germline. Affected: yes.
Comment: ACMG classification criteria: PM2 supporting

NM_024649.5(BBS1):c.1340-35C>T

Genes: ZDHHC24 (zDHHC palmitoyltransferase 24; minus strand), BBS1 (Bardet-Biedl syndrome 1; plus strand). Cytogenetic location: 11q13.2.
Variant type: single nucleotide variant.
Coding change: c.1340-35C>T on transcript NM_024649.5 (MANE Select); 35 bases into the intron before coding-DNA position 1340, C replaced by T.
Molecular consequence: intron variant.
Genome position (GRCh38, 1-based): chr11:66,529,784, C>T. VCF-style: chr11-66529784-C-T. GRCh37 (hg19) VCF-style: chr11-66297255-C-T.
Other names: c.560-296G>A (NM_001348571.2).
Identifiers: ClinVar variation 3901016 (VCV003901016.1).